The following is an entry in ClinVar:

ClinVar aggregate classification (germline): Uncertain significance (1 of 4 stars; one submission).

Conditions:
X-linked immunodeficiency with magnesium defect, Epstein-Barr virus infection and neoplasia. Identifiers: Orphanet 317476, MedGen C3275445, MONDO:0010455, OMIM 300853.

Allele frequency attached by ClinVar (database versions not stated): gnomAD exomes below 0.00001; ExAC 0.00002.
gnomAD v4.1: 4 of 1,197,319 alleles (0.00033%); highest among the groups gnomAD compares: Admixed American, 0.0087%; no homozygotes.

Submission:

Labcorp Genetics (formerly Invitae), Labcorp
Classification: Uncertain significance for X-linked immunodeficiency with magnesium defect, Epstein-Barr virus infection and neoplasia. Last evaluated: 2025-09-15. Review status: criteria provided, single submitter. Criteria: Invitae Variant Classification Sherloc (09022015). Collection method: clinical testing. Allele origin: germline.
Comment: This sequence change replaces glycine, which is neutral and non-polar, with glutamic acid, which is acidic and polar, at codon 284 of the MAGT1 protein (p.Gly284Glu). This variant is present in population databases (rs781850772, gnomAD 0.02%). This variant has not been reported in the literature in individuals affected with MAGT1-related conditions. ClinVar contains an entry for this variant (Variation ID: 2985576). Invitae Evidence Modeling of protein sequence and biophysical properties (such as structural, functional, and spatial information, amino acid conservation, physicochemical variation, residue mobility, and thermodynamic stability) indicates that this missense variant is not expected to disrupt MAGT1 protein function with a negative predictive value of 80%. In summary, the available evidence is currently insufficient to determine the role of this variant in disease. Therefore, it has been classified as a Variant of Uncertain Significance.

NM_001367916.1(MAGT1):c.755G>A (p.Gly252Glu)

Gene: MAGT1 (magnesium transporter 1; minus strand). Cytogenetic location: Xq21.1.
Variant type: single nucleotide variant.
Coding change: c.755G>A on transcript NM_001367916.1 (MANE Select); coding-DNA position 755, G replaced by A.
Protein change: p.Gly252Glu; replaces glycine 252 with glutamic acid.
Molecular consequence: missense variant.
Genome position (GRCh38, 1-based): chrX:77,855,508, C>T on the plus strand (G>A on the coding strand, the complement: MAGT1 is on the minus strand). VCF-style: chrX-77855508-C-T. GRCh37 (hg19) VCF-style: chrX-77111005-C-T.
Other names: c.851G>A, p.Gly284Glu (NM_032121.5); short protein forms G252E, G284E.
Identifiers: ClinVar variation 2985576 (VCV002985576.3), dbSNP rs781850772, ClinGen allele CA10458475.